The following is an entry in ClinVar:

NM_172245.4(CSF2RA):c.592A>G (p.Ser198Gly)

Gene: CSF2RA (colony stimulating factor 2 receptor subunit alpha; plus strand). Cytogenetic location: Xp22.33.
Variant type: single nucleotide variant.
Coding change: c.592A>G on transcript NM_172245.4 (MANE Select); coding-DNA position 592, A replaced by G.
Protein change: p.Ser198Gly; replaces serine 198 with glycine.
Molecular consequence: missense variant. On other transcripts: non-coding transcript variant (1).
Genome position (GRCh38, 1-based): chrX:1,290,455, A>G. VCF-style: chrX-1290455-A-G. GRCh37 (hg19) VCF-style: chrX-1409348-A-G.
Other names: c.592A>G, p.Ser198Gly (NM_001161529.2, NM_001161530.2, NM_001161531.2 and 20 more transcripts); c.193A>G, p.Ser65Gly (NM_001161532.2); short protein forms S198G, S65G.
Identifiers: ClinVar variation 1356603 (VCV001356603.8), dbSNP rs2148417904, ClinGen allele CA412235723.

ClinVar aggregate classification (germline): Uncertain significance (1 of 4 stars; one submission).

Conditions:
Surfactant metabolism dysfunction, pulmonary, 4 (SMDP4). Also called: CSF2RA DEFICIENCY; PAP DUE TO CSF2RA DEFICIENCY; PULMONARY ALVEOLAR PROTEINOSIS, CONGENITAL, 4. Identifiers: Orphanet 264675, MedGen C2677877, MONDO:0010424, OMIM 300770.

Submission:

Labcorp Genetics (formerly Invitae), Labcorp
Classification: Uncertain significance for Surfactant metabolism dysfunction, pulmonary, 4. Last evaluated: 2020-12-16. Review status: criteria provided, single submitter. Criteria: Invitae Variant Classification Sherloc (09022015). Collection method: clinical testing. Allele origin: germline.
Comment: In summary, the available evidence is currently insufficient to determine the role of this variant in disease. Therefore, it has been classified as a Variant of Uncertain Significance. Algorithms developed to predict the effect of missense changes on protein structure and function are either unavailable or do not agree on the potential impact of this missense change (SIFT: "Deleterious"; PolyPhen-2: "Probably Damaging"; Align-GVGD: "Class C0"). This variant has not been reported in the literature in individuals with CSF2RA-related conditions. This variant is not present in population databases (ExAC no frequency). This sequence change replaces serine with glycine at codon 198 of the CSF2RA protein (p.Ser198Gly). The serine residue is highly conserved and there is a small physicochemical difference between serine and glycine.